The following is an entry in ClinVar:

NM_000540.3(RYR1):c.11035-5A>T

Gene: RYR1 (ryanodine receptor 1; plus strand). Cytogenetic location: 19q13.2.
Variant type: single nucleotide variant.
Coding change: c.11035-5A>T on transcript NM_000540.3 (MANE Select); 5 bases into the intron before coding-DNA position 11035, A replaced by T.
Molecular consequence: intron variant.
Genome position (GRCh38, 1-based): chr19:38,528,946, A>T. VCF-style: chr19-38528946-A-T. GRCh37 (hg19) VCF-style: chr19-39019586-A-T.
Other names: c.11020-5A>T (NM_001042723.2).
Identifiers: ClinVar variation 3072939 (VCV003072939.1), dbSNP rs372672006, ClinGen allele CA055728.

ClinVar aggregate classification (germline): Likely benign (1 of 4 stars; one submission).

Conditions:
Malignant hyperthermia, susceptibility to, 1 (MHS1). Also called: Anesthesia related hyperthermia; Malignant hyperpyrexia; Fulminating hyperpyrexia; Pharmacogenic myopathy; RYR1-Related Malignant Hyperthermia Susceptibility; Malignant hyperthermia suceptibility 1. Identifiers: Orphanet 423, MedGen C2930980, MONDO:0007783, OMIM 145600.

Allele frequency attached by ClinVar (database versions not stated): TOPMed below 0.00001; ExAC 0.00001; gnomAD 0.00001; ESP Exome Variant Server 0.00008.
gnomAD v4.1: 1 of 1,605,982 alleles (0.000062%); highest among the groups gnomAD compares: Non-Finnish European, 0.000085%; no homozygotes.

Submission:

All of Us Research Program, National Institutes of Health
Classification: Likely benign for Malignant hyperthermia, susceptibility to, 1. Last evaluated: 2023-08-15. Review status: criteria provided, single submitter. Criteria: ACMG Guidelines, 2015. Collection method: clinical testing. Allele origin: germline. Inheritance: Autosomal dominant inheritance. Observed: 1 variant allele, 1 heterozygote.
Comment: This study involves interpretation of variants in research participants for the purpose of population health screening. Participant phenotype was not available at the time of variant classification. Additional details can be found in publication PMID: 35346344, PMCID: PMC8962531